The following is an entry in ClinVar:

NM_006019.4(TCIRG1):c.2106_2108del (p.Glu704del)

Gene: TCIRG1 (T cell immune regulator 1, ATPase H+ transporting V0 subunit a3; plus strand). Cytogenetic location: 11q13.2.
Variant type: Deletion.
Coding change: c.2106_2108del on transcript NM_006019.4 (MANE Select); coding-DNA positions 2106 to 2108, 3 bases deleted (AGA; older notation c.2106_2108delAGA).
Protein change: p.Glu704del; deletes glutamic acid 704.
Molecular consequence: inframe deletion.
Genome position (GRCh38, 1-based): chr11:68,050,054-68,050,056, AGA deleted; deleting any 3 consecutive bases within chr11:68,050,052-68,050,056 gives the same sequence; the c. name uses the placement nearest the transcript's 3' end. VCF-style (leftmost placement, unchanged base first): chr11-68050051-TGAA-T. GRCh37 (hg19) VCF-style: chr11-67817518-TGAA-T.
Other names: c.1212_1214del, p.Glu406del (NM_001351059.2); c.1458_1460del, p.Glu488del (NM_006053.4); short protein forms E406del, E488del, E704del.
Identifiers: ClinVar variation 1984384 (VCV001984384.3), dbSNP rs1474944577, ClinGen allele CA600238481.
Genomic context (GRCh38, chr11:68,050,051, plus strand): 5'-GCCTGACGCATCTGTGAATGGCTGGAGCTCCGATGAGGAAAAGGCAGGGGGCCTGGATGA[TGAA>T]GAGGAGGCCGAGGTGGGTGCAGTGCCTTCCTGGGGGTGGGACGGCTGAGGCCCTGCCGGC-3'

ClinVar aggregate classification (germline): Uncertain significance (1 of 4 stars; one submission).

Submission:

Labcorp Genetics (formerly Invitae), Labcorp
Classification: Uncertain significance. Last evaluated: 2024-06-25. Review status: criteria provided, single submitter. Criteria: Invitae Variant Classification Sherloc (09022015). Collection method: clinical testing. Allele origin: germline.
Comment: This variant, c.2106_2108del, results in the deletion of 1 amino acid(s) of the TCIRG1 protein (p.Glu704del), but otherwise preserves the integrity of the reading frame. This variant is present in population databases (no rsID available, gnomAD 0.002%). This variant has not been reported in the literature in individuals affected with TCIRG1-related conditions. ClinVar contains an entry for this variant (Variation ID: 1984384). Experimental studies and prediction algorithms are not available or were not evaluated, and the functional significance of this variant is currently unknown. In summary, the available evidence is currently insufficient to determine the role of this variant in disease. Therefore, it has been classified as a Variant of Uncertain Significance.